The following is an entry in ClinVar:

ClinVar aggregate classification (germline): Uncertain significance (1 of 4 stars; one submission).

Allele frequency attached by ClinVar (database versions not stated): gnomAD 0.00005; ExAC 0.00006; TOPMed 0.00009; gnomAD exomes 0.00014; ESP Exome Variant Server 0.00015.
gnomAD v4.1: 206 of 1,614,022 alleles (0.013%); highest among the groups gnomAD compares: Non-Finnish European, 0.017%; no homozygotes.

Submission:

Labcorp Genetics (formerly Invitae), Labcorp
Classification: Uncertain significance. Last evaluated: 2025-04-28. Review status: criteria provided, single submitter. Criteria: Invitae Variant Classification Sherloc (09022015). Collection method: clinical testing. Allele origin: germline.
Comment: This sequence change replaces leucine, which is neutral and non-polar, with proline, which is neutral and non-polar, at codon 20 of the RPL9 protein (p.Leu20Pro). This variant is present in population databases (rs141176319, gnomAD 0.01%). This variant has not been reported in the literature in individuals affected with RPL9-related conditions. ClinVar contains an entry for this variant (Variation ID: 2150408). An algorithm developed to predict the effect of missense changes on protein structure and function (PolyPhen-2) suggests that this variant is likely to be tolerated. In summary, the available evidence is currently insufficient to determine the role of this variant in disease. Therefore, it has been classified as a Variant of Uncertain Significance.

NM_000661.5(RPL9):c.59T>C (p.Leu20Pro)

Gene: RPL9 (ribosomal protein L9; minus strand). Cytogenetic location: 4p14.
Variant type: single nucleotide variant.
Coding change: c.59T>C on transcript NM_000661.5 (MANE Select); coding-DNA position 59, T replaced by C.
Protein change: p.Leu20Pro; replaces leucine 20 with proline.
Molecular consequence: missense variant.
Genome position (GRCh38, 1-based): chr4:39,458,297, A>G on the plus strand (T>C on the coding strand, the complement: RPL9 is on the minus strand). VCF-style: chr4-39458297-A-G. GRCh37 (hg19) VCF-style: chr4-39459917-A-G.
Other names: c.59T>C, p.Leu20Pro (NM_001024921.4); short protein forms L20P.
Identifiers: ClinVar variation 2150408 (VCV002150408.4), dbSNP rs141176319, ClinGen allele CA2894401.